The following is an entry in ClinVar:

ClinVar aggregate classification (germline): Uncertain significance. Review status: criteria provided, multiple submitters, no conflicts (2 of 4 stars). 2 submissions from 2 submitters: Uncertain significance (2). Last evaluated 2024-01-03.

Conditions:
Inborn genetic diseases. Identifiers: MedGen C0950123, MeSH D030342.

Allele frequency attached by ClinVar (database versions not stated): gnomAD 0.00002; gnomAD exomes 0.00004 and 0.00007; TOPMed 0.00004; ExAC 0.00006.
gnomAD v4.1: 60 of 1,610,866 alleles (0.0037%); highest among the groups gnomAD compares: Middle Eastern, 0.033%; no homozygotes.

Submissions (2):

Ambry Genetics
Classification: Uncertain significance for Inborn genetic diseases. Last evaluated: 2024-01-03. Review status: criteria provided, single submitter. Criteria: Ambry Variant Classification Scheme 2023. Collection method: clinical testing. Allele origin: germline.

Labcorp Genetics (formerly Invitae), Labcorp
Classification: Uncertain significance. Last evaluated: 2022-04-23. Review status: criteria provided, single submitter. Criteria: Invitae Variant Classification Sherloc (09022015). Collection method: clinical testing. Allele origin: germline.
Comment: This sequence change replaces arginine, which is basic and polar, with cysteine, which is neutral and slightly polar, at codon 627 of the TONSL protein (p.Arg627Cys). This variant is present in population databases (rs751754276, gnomAD 0.03%). This variant has not been reported in the literature in individuals affected with TONSL-related conditions. Algorithms developed to predict the effect of missense changes on protein structure and function (SIFT, PolyPhen-2, Align-GVGD) all suggest that this variant is likely to be disruptive. In summary, the available evidence is currently insufficient to determine the role of this variant in disease. Therefore, it has been classified as a Variant of Uncertain Significance.

NM_013432.5(TONSL):c.1879C>T (p.Arg627Cys)

Genes: TONSL (tonsoku like, DNA repair protein; minus strand), TONSL-AS1 (TONSL antisense RNA 1; plus strand). Cytogenetic location: 8q24.3.
Variant type: single nucleotide variant.
Coding change: c.1879C>T on transcript NM_013432.5 (MANE Select); coding-DNA position 1879, C replaced by T.
Protein change: p.Arg627Cys; replaces arginine 627 with cysteine.
Molecular consequence: missense variant. On other transcripts: non-coding transcript variant (1).
Genome position (GRCh38, 1-based): chr8:144,436,768, G>A on the plus strand (C>T on the coding strand, the complement: TONSL is on the minus strand). VCF-style: chr8-144436768-G-A. GRCh37 (hg19) VCF-style: chr8-145662151-G-A.
Other names: c.1879C>T (NM_013432.4); short protein forms R627C.
Identifiers: ClinVar variation 1420953 (VCV001420953.4), dbSNP rs751754276, ClinGen allele CA4943025.